The following is an entry in ClinVar:

ClinVar aggregate classification (germline): Uncertain significance (1 of 4 stars; one submission).

Allele frequency attached by ClinVar (database versions not stated): gnomAD exomes below 0.00001.
gnomAD v4.1: 1 of 1,613,554 alleles (0.000062%); highest among the groups gnomAD compares: African/African-American, 0.0013%; no homozygotes.

Submission:

GeneDx
Classification: Uncertain significance. Last evaluated: 2021-06-21. Review status: criteria provided, single submitter. Criteria: GeneDx Variant Classification Process June 2021. Collection method: clinical testing. Allele origin: germline. Affected: yes.
Comment: Has not been previously published as pathogenic or benign to our knowledge; Not observed at significant frequency in large population cohorts (Lek et al., 2016); In silico analysis supports that this missense variant does not alter protein structure/function; This variant is associated with the following publications: (PMID: 27535533)

NM_006440.5(TXNRD2):c.1276G>A (p.Val426Ile)

Gene: TXNRD2 (thioredoxin reductase 2; minus strand). Cytogenetic location: 22q11.21.
Variant type: single nucleotide variant.
Coding change: c.1276G>A on transcript NM_006440.5 (MANE Select); coding-DNA position 1276, G replaced by A.
Protein change: p.Val426Ile; replaces valine 426 with isoleucine.
Molecular consequence: missense variant. On other transcripts: non-coding transcript variant (1).
Genome position (GRCh38, 1-based): chr22:19,878,437, C>T on the plus strand (G>A on the coding strand, the complement: TXNRD2 is on the minus strand). VCF-style: chr22-19878437-C-T. GRCh37 (hg19) VCF-style: chr22-19865960-C-T.
Other names: c.1273G>A, p.Val425Ile (NM_001352300.2); c.1186G>A, p.Val396Ile (NM_001352301.2); c.988G>A, p.Val330Ile (NM_001352302.2); short protein forms V330I, V396I, V425I, V426I.
Identifiers: ClinVar variation 1329659 (VCV001329659.2), dbSNP rs1938609125, ClinGen allele CA410692372.